The following is an entry in ClinVar:

ClinVar aggregate classification (germline): Conflicting classifications of pathogenicity. Review status: criteria provided, conflicting classifications (1 of 4 stars). 4 submissions from 4 submitters: Likely pathogenic (2); Uncertain significance (2). Last evaluated 2026-05-12.

Conditions:
Autosomal dominant osteopetrosis 1 (OPTA1). Also called: OSTEOPETROSIS, AUTOSOMAL DOMINANT, TYPE I. Identifiers: Orphanet 2783, MedGen C1843330, MONDO:0011877, OMIM 607634.
Polycystic liver disease 4 with or without kidney cysts. Identifiers: MedGen C4693479, MONDO:0044327, OMIM 617875.
Osteoporosis with pseudoglioma (OPPG). Also called: osteoporosis-pseudoglioma syndrome. Identifiers: Orphanet 2788, MedGen C0432252, MONDO:0009820, OMIM 259770.
Worth disease. Also called: ENDOSTEAL HYPEROSTOSIS, AUTOSOMAL DOMINANT; Autosomal dominant osteosclerosis, Worth type; OSTEOSCLEROSIS, AUTOSOMAL DOMINANT. Identifiers: Orphanet 2790, MedGen C0432273, MONDO:0007764, OMIM 144750.
Exudative vitreoretinopathy 4 (EVR4). Identifiers: Orphanet 891, MedGen C1866176, MONDO:0011151, OMIM 601813.
Bone mineral density quantitative trait locus 1 (BMND1). Identifiers: MedGen C1866079, OMIM 601884.
LRP5-related disorder. Also called: LRP5-related condition.

Allele frequency attached by ClinVar (database versions not stated): TOPMed 0.00003; gnomAD 0.00006; gnomAD exomes 0.00008; ExAC 0.00015; ESP Exome Variant Server 0.00016.
gnomAD v4.1: 256 of 1,547,946 alleles (0.017%); highest among the groups gnomAD compares: Non-Finnish European, 0.021%; no homozygotes.

Submissions (4):

PreventionGenetics, part of Exact Sciences
Classification: Uncertain significance for LRP5-related condition. Last evaluated: 2026-05-12. Review status: criteria provided, single submitter. Criteria: ACMG Guidelines, 2015. Collection method: clinical testing. Allele origin: germline.
Comment: The LRP5 c.4466C>T variant is predicted to result in the amino acid substitution p.Thr1489Met. This variant has been reported in an individual with autosomal dominant familial exudative vitreoretinopathy (Ju et al. 2024. PubMed ID: 38280677). This variant is reported in 0.013% of alleles in individuals of European (Non-Finnish) descent in gnomAD, which may be too frequent to be a primary cause of dominant disease. At this time, the clinical significance of this variant is uncertain due to the absence of conclusive functional and genetic evidence.

Labcorp Genetics (formerly Invitae), Labcorp
Classification: Likely pathogenic. Last evaluated: 2025-10-12. Review status: criteria provided, single submitter. Criteria: Invitae Variant Classification Sherloc (09022015). Collection method: clinical testing. Allele origin: germline.
Comment: This sequence change replaces threonine, which is neutral and polar, with methionine, which is neutral and non-polar, at codon 1489 of the LRP5 protein (p.Thr1489Met). This variant is present in population databases (rs376584791, gnomAD 0.01%). This missense change has been observed in individual(s) with clinical features of familial exudative vitreoretinopathy (PMID: 38280677; internal data). It has also been observed to segregate with disease in related individuals. ClinVar contains an entry for this variant (Variation ID: 1060132). Invitae Evidence Modeling of protein sequence and biophysical properties (such as structural, functional, and spatial information, amino acid conservation, physicochemical variation, residue mobility, and thermodynamic stability) indicates that this missense variant is not expected to disrupt LRP5 protein function with a negative predictive value of 95%. In summary, the currently available evidence indicates that the variant is pathogenic, but additional data are needed to prove that conclusively. Therefore, this variant has been classified as Likely Pathogenic.

First Genomix Gene Laboratory, Genetic Diagnostics Department
Classification: Likely pathogenic for Exudative vitreoretinopathy 4; Osteoporosis with pseudoglioma. Last evaluated: 2025-06-20. Review status: criteria provided, single submitter. Criteria: ACMG Guidelines, 2015. Collection method: clinical testing. Allele origin: germline. Inheritance: Autosomal recessive inheritance. Affected: no. Observed: 1 variant allele.

Fulgent Genetics
Classification: Uncertain significance for Worth disease; Osteoporosis with pseudoglioma; Exudative vitreoretinopathy 4; Bone mineral density quantitative trait locus 1; Autosomal dominant osteopetrosis 1; Polycystic liver disease 4 with or without kidney cysts. Last evaluated: 2024-04-27. Review status: criteria provided, single submitter. Criteria: ACMG Guidelines, 2015. Collection method: clinical testing. Allele origin: germline.

Literature cited by the submitters: PubMed 38280677 (cited by Labcorp Genetics (formerly Invitae), Labcorp).

NM_002335.4(LRP5):c.4466C>T (p.Thr1489Met)

Gene: LRP5 (LDL receptor related protein 5; plus strand). Cytogenetic location: 11q13.2.
Variant type: single nucleotide variant.
Coding change: c.4466C>T on transcript NM_002335.4 (MANE Select); coding-DNA position 4466, C replaced by T.
Protein change: p.Thr1489Met; replaces threonine 1489 with methionine.
Molecular consequence: missense variant.
Genome position (GRCh38, 1-based): chr11:68,439,894, C>T. VCF-style: chr11-68439894-C-T. GRCh37 (hg19) VCF-style: chr11-68207362-C-T.
Other names: c.4466C>T (NM_002335.3); c.2723C>T, p.Thr908Met (NM_001291902.2); short protein forms T1489M, T908M.
Identifiers: ClinVar variation 1060132 (VCV001060132.10), dbSNP rs376584791, ClinGen allele CA6150369.